The following is an entry in ClinVar:

NC_000016.10:g.(?_89268458)_(89288690_?)del

Gene: ANKRD11 (ankyrin repeat domain 11; minus strand). Cytogenetic location: 16q24.3.
Variant type: Deletion.
Identifiers: ClinVar variation 584373 (VCV000584373.7).

ClinVar aggregate classification (germline): Pathogenic (1 of 4 stars; one submission).

Conditions:
KBG syndrome (KBGS). Also called: ANKRD11-Related KBG Syndrome. Identifiers: Orphanet 2332, MedGen C0220687, MONDO:0007846, OMIM 148050.

Submission:

Labcorp Genetics (formerly Invitae), Labcorp
Classification: Pathogenic for KBG syndrome. Last evaluated: 2018-01-20. Review status: criteria provided, single submitter. Criteria: Invitae Variant Classification Sherloc (09022015). Collection method: clinical testing. Allele origin: germline.
Comment: This variant is a gross deletion of the genomic region encompassing exons 7-13 of the ANKRD11 gene. The 5' boundary is likely confined to intron 6. The 3' end of this event is unknown as it extends through the termination codon beyond the assayed region for this gene and may encompass additional genes. While this deletion is not anticipated to result in nonsense mediated decay, it is expected to create a truncated protein product or disrupt mRNA translation. For these reasons, this variant has been classified as Pathogenic. Experimental studies have shown that ANKRD11 proteins lacking the C-terminal region are not degraded properly and accumulate aberrantly in cells (PMID: 25413698). A deletion of only exon 7-13 of the ANKRD11 gene has not been reported in the literature in individuals with an ANKRD11-related disease.¬† However, several individuals with deletions that include the C-terminal region of ANKRD11 and extend to additional genes have been reported in several individuals affected with KBG syndrome (PMID: 23463723, 27605097, 19920853).

Literature cited by the submitters: PubMed 25413698; PubMed 23463723; PubMed 27605097; PubMed 19920853.